The following is an entry in ClinVar:

NM_000152.5(GAA):c.2040+19_2040+20inv

Gene: GAA (alpha glucosidase; plus strand). Cytogenetic location: 17q25.3.
Variant type: Inversion.
Coding change: c.2040+19_2040+20inv on transcript NM_000152.5 (MANE Select).
Molecular consequence: intron variant.
Genome position: GRCh38 VCF-style: chr17-80113046-CA-TG. GRCh37 (hg19) VCF-style: chr17-78086845-CA-TG.
Other names: c.2040+19_2040+20delCAinsTG (LRG_673t1); c.2040+19_2040+20inv (NM_001079803.3, NM_001079804.3).
Identifiers: ClinVar variation 188482 (VCV000188482.4), ClinGen allele CA198793.
Genomic context (GRCh38, chr17:80,113,046, plus strand): 5'-TTCTACCCCTTCATGCGGAACCACAACAGCCTGCTCAGTCTGGTAGGGTGGGGGTGGCGG[CA>TG]TGGCAGGTGGGCGATCCCACCCACCCAAGACTCTCCCCTGGGAATCCCACCCCTGCTGGA-3'

ClinVar aggregate classification (germline): Conflicting classifications of pathogenicity. Review status: criteria provided, conflicting classifications (1 of 4 stars). 2 submissions from 2 submitters: Uncertain significance (1); Likely benign (1). Last evaluated 2022-08-09.

Conditions:
Glycogen storage disease, type II (IOPD). Also called: Glucosidase acid-1,4-alpha deficiency; CARDIOMEGALIA GLYCOGENICA DIFFUSA; GLYCOGENOSIS, GENERALIZED, CARDIAC FORM; GSD II; POMPE DISEASE, INFANTILE-ONSET; GLYCOGEN STORAGE DISEASE II, INFANTILE-ONSET. Identifiers: Orphanet 365, MedGen C0017921, MONDO:0009290, OMIM 232300.

Submissions (2):

Labcorp Genetics (formerly Invitae), Labcorp
Classification: Uncertain significance for Glycogen storage disease, type II. Last evaluated: 2022-08-09. Review status: criteria provided, single submitter. Criteria: Invitae Variant Classification Sherloc (09022015). Collection method: clinical testing. Allele origin: germline.
Comment: This sequence change falls in intron 14 of the GAA gene. It does not directly change the encoded amino acid sequence of the GAA protein. Information on the frequency of this variant in the gnomAD database is not available, as this variant may be reported differently in the database. This variant has not been reported in the literature in individuals affected with GAA-related conditions. ClinVar contains an entry for this variant (Variation ID: 188482). Algorithms developed to predict the effect of sequence changes on RNA splicing suggest that this variant may create or strengthen a splice site. In summary, the available evidence is currently insufficient to determine the role of this variant in disease. Therefore, it has been classified as a Variant of Uncertain Significance.

GeneDx
Classification: Likely benign. Last evaluated: 2017-05-22. Review status: criteria provided, single submitter. Criteria: GeneDx Variant Classification (06012015). Collection method: clinical testing. Allele origin: germline. Affected: yes.
Comment: This variant is considered likely benign or benign based on one or more of the following criteria: it is a conservative change, it occurs at a poorly conserved position in the protein, it is predicted to be benign by multiple in silico algorithms, and/or has population frequency not consistent with disease.